The following is an entry in ClinVar:

NM_001174096.2(ZEB1):c.158G>C (p.Cys53Ser)

Gene: ZEB1 (zinc finger E-box binding homeobox 1; plus strand). Cytogenetic location: 10p11.22.
Variant type: single nucleotide variant.
Coding change: c.158G>C on transcript NM_001174096.2 (MANE Select); coding-DNA position 158, G replaced by C.
Protein change: p.Cys53Ser; replaces cysteine 53 with serine.
Molecular consequence: missense variant. On other transcripts: 5 prime UTR variant (28), intron variant (3).
Genome position (GRCh38, 1-based): chr10:31,461,136, G>C. VCF-style: chr10-31461136-G-C. GRCh37 (hg19) VCF-style: chr10-31750065-G-C.
Other names: c.107G>C, p.Cys36Ser (NM_001128128.3, NM_001174094.2, NM_001323678.2); c.158G>C, p.Cys53Ser (NM_001174093.2, NM_001323674.2, NM_030751.6); c.-500G>C (NM_001323638.2, NM_001323642.2, NM_001323643.2 and 10 more transcripts); c.-497G>C (NM_001323641.2, NM_001323645.2, NM_001323647.2 and 10 more transcripts); c.-437G>C (NM_001323648.2, NM_001323666.2); c.116G>C, p.Cys39Ser (NM_001323675.2, NM_001323676.2, NM_001323677.2); c.-395-34643G>C (NM_001323644.2); c.59-34643G>C (NM_001174095.2); and 1 more; short protein forms C39S, C53S, C36S.
Identifiers: ClinVar variation 2031412 (VCV002031412.4), dbSNP rs770735081, ClinGen allele CA376444542.

ClinVar aggregate classification (germline): Uncertain significance (1 of 4 stars; one submission).

Submission:

Labcorp Genetics (formerly Invitae), Labcorp
Classification: Uncertain significance. Last evaluated: 2022-09-20. Review status: criteria provided, single submitter. Criteria: Invitae Variant Classification Sherloc (09022015). Collection method: clinical testing. Allele origin: germline.
Comment: Advanced modeling of protein sequence and biophysical properties (such as structural, functional, and spatial information, amino acid conservation, physicochemical variation, residue mobility, and thermodynamic stability) performed at Invitae indicates that this missense variant is not expected to disrupt ZEB1 protein function. In summary, the available evidence is currently insufficient to determine the role of this variant in disease. Therefore, it has been classified as a Variant of Uncertain Significance. This variant has not been reported in the literature in individuals affected with ZEB1-related conditions. This variant is not present in population databases (gnomAD no frequency). This sequence change replaces cysteine, which is neutral and slightly polar, with serine, which is neutral and polar, at codon 53 of the ZEB1 protein (p.Cys53Ser).